The following is an entry in ClinVar:

ClinVar aggregate classification (germline): Pathogenic (1 of 4 stars; one submission).

Conditions:
Juvenile polyposis syndrome (JPS). Identifiers: Orphanet 2929, MedGen C0345893, MONDO:0017380, OMIM 174900.

Submission:

Labcorp Genetics (formerly Invitae), Labcorp
Classification: Pathogenic for Juvenile polyposis syndrome. Last evaluated: 2024-05-29. Review status: criteria provided, single submitter. Criteria: Invitae Variant Classification Sherloc (09022015). Collection method: clinical testing. Allele origin: germline.
Comment: This sequence change creates a premature translational stop signal (p.Gly105*) in the BMPR1A gene. It is expected to result in an absent or disrupted protein product. Loss-of-function variants in BMPR1A are known to be pathogenic (PMID: 11536076, 12417513). This variant is not present in population databases (gnomAD no frequency). This variant has not been reported in the literature in individuals affected with BMPR1A-related conditions. Studies have shown that this premature translational stop signal is associated with inconclusive levels of altered splicing (Invitae). For these reasons, this variant has been classified as Pathogenic.

Literature cited by the submitters: PubMed 11536076; PubMed 12417513.

NM_004329.3(BMPR1A):c.313G>T (p.Gly105Ter)

Gene: BMPR1A (bone morphogenetic protein receptor type 1A; plus strand). Cytogenetic location: 10q23.2.
Variant type: single nucleotide variant.
Coding change: c.313G>T on transcript NM_004329.3 (MANE Select); coding-DNA position 313, G replaced by T.
Protein change: p.Gly105Ter; replaces glycine 105 with a stop codon.
Molecular consequence: nonsense. On other transcripts: non-coding transcript variant (3).
Genome position (GRCh38, 1-based): chr10:86,892,209, G>T. VCF-style: chr10-86892209-G-T. GRCh37 (hg19) VCF-style: chr10-88651966-G-T.
Other names: c.313G>T, p.Gly105Ter (NM_001406583.1, NM_001406589.1, NM_001406565.1 and 23 more transcripts); c.229G>T, p.Gly77Ter (NM_001406584.1, NM_001406585.1, NM_001406586.1 and 2 more transcripts); short protein forms G105*, G77*.
Identifiers: ClinVar variation 3654979 (VCV003654979.2).